The following is an entry in ClinVar:

ClinVar aggregate classification (germline): Benign. Review status: criteria provided, multiple submitters, no conflicts (2 of 4 stars). 3 submissions from 3 submitters: Benign (3). Last evaluated 2019-11-02.

Conditions:
Bartsocas-Papas syndrome 1. Also called: Bartsocas-Papas syndrome; MULTIPLE PTERYGIUM SYNDROME, ASLAN TYPE; PTERYGIUM, POPLITEAL, LETHAL TYPE. Identifiers: Orphanet 1234, MedGen C1849718, MONDO:0009901, OMIM 263650.

Allele frequency attached by ClinVar (database versions not stated): 1000 Genomes Project 0.09964; 1000 Genomes Project 30x 0.10197; ExAC 0.11630; TOPMed 0.13508; gnomAD 0.14219; ESP Exome Variant Server 0.15335.
gnomAD v4.1: 220,038 of 1,609,716 alleles (14%); highest among the groups gnomAD compares: African/African-American, 18%; 16,468 homozygotes.

Submissions (3):

GeneDx
Classification: Benign. Last evaluated: 2019-11-02. Review status: criteria provided, single submitter. Criteria: GeneDx Variant Classification Process June 2021. Collection method: clinical testing. Allele origin: germline. Affected: yes.

Illumina Laboratory Services, Illumina
Classification: Benign for Bartsocas-Papas syndrome 1. Last evaluated: 2018-01-13. Review status: criteria provided, single submitter. Criteria: ICSL Variant Classification Criteria 13 December 2019. Collection method: clinical testing. Allele origin: germline.
Comment: This variant was observed in the ICSL laboratory as part of a predisposition screen in an ostensibly healthy population. It had not been previously curated by ICSL or reported in the Human Gene Mutation Database (HGMD: prior to June 1st, 2018), and was therefore a candidate for classification through an automated scoring system. Utilizing variant allele frequency, disease prevalence and penetrance estimates, and inheritance mode, an automated score was calculated to assess if this variant is too frequent to cause the disease. Based on the score and internal cut-off values, a variant classified as benign is not then subjected to further curation. The score for this variant resulted in a classification of benign for this disease.

Breakthrough Genomics
Classification: Benign. Review status: criteria provided, single submitter. Criteria: ACMG Guidelines, 2015. Collection method: not provided. Allele origin: germline. Inheritance: Autosomal recessive inheritance. Affected: yes.

NM_020639.3(RIPK4):c.159G>A (p.Ser53=)

Gene: RIPK4 (receptor interacting serine/threonine kinase 4; minus strand). Cytogenetic location: 21q22.3.
Variant type: single nucleotide variant.
Coding change: c.159G>A on transcript NM_020639.3 (MANE Select); coding-DNA position 159, G replaced by A.
Protein change: p.Ser53=; no amino-acid change (serine 53 retained).
Molecular consequence: synonymous variant.
Genome position (GRCh38, 1-based): chr21:41,766,883, C>T on the plus strand (G>A on the coding strand, the complement: RIPK4 is on the minus strand). VCF-style: chr21-41766883-C-T. GRCh37 (hg19) VCF-style: chr21-43187043-C-T.
Identifiers: ClinVar variation 340036 (VCV000340036.7), dbSNP rs6586238, ClinGen allele CA10035844.